The following is an entry in ClinVar:

NM_006179.5(NTF4):c.203G>A (p.Arg68Gln)

Gene: NTF4 (neurotrophin 4; minus strand). Cytogenetic location: 19q13.33.
Variant type: single nucleotide variant.
Coding change: c.203G>A on transcript NM_006179.5 (MANE Select); coding-DNA position 203, G replaced by A.
Protein change: p.Arg68Gln; replaces arginine 68 with glutamine.
Molecular consequence: missense variant.
Genome position (GRCh38, 1-based): chr19:49,061,795, C>T on the plus strand (G>A on the coding strand, the complement: NTF4 is on the minus strand). VCF-style: chr19-49061795-C-T. GRCh37 (hg19) VCF-style: chr19-49565052-C-T.
Other names: c.203G>A, p.Arg68Gln (NM_001395489.1); short protein forms R68Q.
Identifiers: ClinVar variation 783846 (VCV000783846.7), dbSNP rs200786116, ClinGen allele CA9565704.

ClinVar aggregate classification (germline): Benign. Review status: criteria provided, multiple submitters, no conflicts (2 of 4 stars). 3 submissions from 3 submitters: Benign (2). 1 of the submissions does not count toward it. Last evaluated 2018-04-19.

Conditions:
NTF4-related disorder. Also called: NTF4-related condition.

Allele frequency attached by ClinVar (database versions not stated): gnomAD exomes 0.00060 and 0.00034; 1000 Genomes Project 30x 0.00312; 1000 Genomes Project 0.00339; ESP Exome Variant Server 0.00306; gnomAD 0.00348 and 0.00326; TOPMed 0.00386; ExAC 0.00114.
gnomAD v4.1: 998 of 1,556,614 alleles (0.064%); highest among the groups gnomAD compares: African/African-American, 1.2%; 6 homozygotes.

Submissions (3):

Labcorp Genetics (formerly Invitae), Labcorp
Classification: Benign. Last evaluated: 2018-04-19. Review status: criteria provided, single submitter. Criteria: Invitae Variant Classification Sherloc (09022015). Collection method: clinical testing. Allele origin: germline.

Breakthrough Genomics
Classification: Benign. Review status: criteria provided, single submitter. Criteria: ACMG Guidelines, 2015. Collection method: not provided. Allele origin: germline. Inheritance: Unknown mechanism. Affected: yes.

PreventionGenetics, part of Exact Sciences
Classification: Benign for NTF4-related condition. Last evaluated: 2019-04-26. Review status: no assertion criteria provided. Collection method: clinical testing. Allele origin: germline. Not counted in ClinVar's aggregate classification.
Comment: This variant is classified as benign based on ACMG/AMP sequence variant interpretation guidelines (Richards et al. 2015 PMID: 25741868, with internal and published modifications).